The following is an entry in ClinVar:

NM_001776.6(ENTPD1):c.392C>T (p.Thr131Met)

Genes: ENTPD1 (ectonucleoside triphosphate diphosphohydrolase 1; plus strand), ENTPD1-AS1 (ENTPD1 antisense RNA 1; minus strand). Cytogenetic location: 10q24.1.
Variant type: single nucleotide variant.
Coding change: c.392C>T on transcript NM_001776.6 (MANE Select); coding-DNA position 392, C replaced by T.
Protein change: p.Thr131Met; replaces threonine 131 with methionine.
Molecular consequence: missense variant. On other transcripts: intron variant (2).
Genome position (GRCh38, 1-based): chr10:95,842,473, C>T. VCF-style: chr10-95842473-C-T. GRCh37 (hg19) VCF-style: chr10-97602230-C-T.
Other names: c.413C>T, p.Thr138Met (NM_001098175.2); c.428C>T, p.Thr143Met (NM_001164178.1, NM_001320916.1); c.392C>T, p.Thr131Met (NM_001164179.2); c.68C>T, p.Thr23Met (NM_001164181.1, NM_001312654.1); c.-1-2003C>T (NM_001164182.2, NM_001164183.2); short protein forms T131M, T138M, T143M, T23M.
Identifiers: ClinVar variation 3901992 (VCV003901992.1).

ClinVar aggregate classification (germline): Uncertain significance (1 of 4 stars; one submission).

Conditions:
Hereditary spastic paraplegia 64. Also called: Spastic paraplegia 64, autosomal recessive; ENTPD1-Related Neurodevelopmental Disorder. Identifiers: Orphanet 401810, MedGen C3810289, MONDO:0014303, OMIM 615683.

Submission:

Laboratorio de Genetica e Diagnostico Molecular, Hospital Israelita Albert Einstein
Classification: Uncertain significance for Hereditary spastic paraplegia 64. Last evaluated: 2023-12-07. Review status: criteria provided, single submitter. Criteria: ACMG Guidelines, 2015. Collection method: clinical testing. Allele origin: germline. Affected: yes.
Comment: ACMG classification criteria: PM2 moderate